The following is an entry in ClinVar:

NM_000548.5(TSC2):c.2606T>G (p.Phe869Cys)

Gene: TSC2 (TSC complex subunit 2; plus strand). Cytogenetic location: 16p13.3.
Variant type: single nucleotide variant.
Coding change: c.2606T>G on transcript NM_000548.5 (MANE Select); coding-DNA position 2606, T replaced by G.
Protein change: p.Phe869Cys; replaces phenylalanine 869 with cysteine.
Molecular consequence: missense variant.
Genome position (GRCh38, 1-based): chr16:2,075,859, T>G. VCF-style: chr16-2075859-T-G. GRCh37 (hg19) VCF-style: chr16-2125860-T-G.
Other names: c.2606T>G, p.Phe869Cys (NM_001077183.3, NM_001114382.3, NM_001363528.2 and 3 more transcripts); c.2495T>G, p.Phe832Cys (NM_001318827.2); c.2459T>G, p.Phe820Cys (NM_001318829.2); c.2006T>G, p.Phe669Cys (NM_001318831.2); c.2639T>G, p.Phe880Cys (NM_001318832.2); short protein forms F880C, F669C, F820C, F832C, F869C.
Identifiers: ClinVar variation 1438304 (VCV001438304.6), dbSNP rs2151381329, ClinGen allele CA394278424.

ClinVar aggregate classification (germline): Uncertain significance (1 of 4 stars; one submission).

Conditions:
Tuberous sclerosis 2 (TSC2). Identifiers: Orphanet 805, MedGen C1860707, MONDO:0013199, OMIM 613254.

Submission:

Labcorp Genetics (formerly Invitae), Labcorp
Classification: Uncertain significance for Tuberous sclerosis 2. Last evaluated: 2025-04-07. Review status: criteria provided, single submitter. Criteria: Invitae Variant Classification Sherloc (09022015). Collection method: clinical testing. Allele origin: germline.
Comment: This sequence change replaces phenylalanine, which is neutral and non-polar, with cysteine, which is neutral and slightly polar, at codon 869 of the TSC2 protein (p.Phe869Cys). This variant is not present in population databases (gnomAD no frequency). This variant has not been reported in the literature in individuals affected with TSC2-related conditions. ClinVar contains an entry for this variant (Variation ID: 1438304). Invitae Evidence Modeling of protein sequence and biophysical properties (such as structural, functional, and spatial information, amino acid conservation, physicochemical variation, residue mobility, and thermodynamic stability) has been performed for this missense variant. However, the output from this modeling did not meet the statistical confidence thresholds required to predict the impact of this variant on TSC2 protein function. In summary, the available evidence is currently insufficient to determine the role of this variant in disease. Therefore, it has been classified as a Variant of Uncertain Significance.